The following is an entry in ClinVar:

ClinVar aggregate classification (germline): Uncertain significance (1 of 4 stars; one submission).

Conditions:
Nephronophthisis 15 (NPHP15). Identifiers: Orphanet 3156, MedGen C3541853, MONDO:0013917, OMIM 614845.

Submission:

Labcorp Genetics (formerly Invitae), Labcorp
Classification: Uncertain significance for Nephronophthisis 15. Last evaluated: 2021-12-08. Review status: criteria provided, single submitter. Criteria: Invitae Variant Classification Sherloc (09022015). Collection method: clinical testing. Allele origin: germline.
Comment: Algorithms developed to predict the effect of missense changes on protein structure and function are either unavailable or do not agree on the potential impact of this missense change (SIFT: "Deleterious"; PolyPhen-2: "Possibly Damaging"; Align-GVGD: "Class C0"). This sequence change replaces aspartic acid, which is acidic and polar, with glycine, which is neutral and non-polar, at codon 457 of the CEP164 protein (p.Asp457Gly). This variant is not present in population databases (gnomAD no frequency). This variant has not been reported in the literature in individuals affected with CEP164-related conditions. Algorithms developed to predict the effect of sequence changes on RNA splicing suggest that this variant may create or strengthen a splice site. In summary, the available evidence is currently insufficient to determine the role of this variant in disease. Therefore, it has been classified as a Variant of Uncertain Significance.

NM_014956.5(CEP164):c.1370A>G (p.Asp457Gly)

Gene: CEP164 (centrosomal protein 164; plus strand). Cytogenetic location: 11q23.3.
Variant type: single nucleotide variant.
Coding change: c.1370A>G on transcript NM_014956.5 (MANE Select); coding-DNA position 1370, A replaced by G.
Protein change: p.Asp457Gly; replaces aspartic acid 457 with glycine.
Molecular consequence: missense variant.
Genome position (GRCh38, 1-based): chr11:117,380,666, A>G. VCF-style: chr11-117380666-A-G. GRCh37 (hg19) VCF-style: chr11-117251382-A-G.
Other names: c.1370A>G, p.Asp457Gly (NM_001271933.2); short protein forms D457G.
Identifiers: ClinVar variation 1446874 (VCV001446874.6), dbSNP rs2136117768, ClinGen allele CA382741671.